The following is an entry in ClinVar:

ClinVar aggregate classification (germline): Benign. Review status: criteria provided, multiple submitters, no conflicts (2 of 4 stars). 2 submissions from 2 submitters: Benign (2). Last evaluated 2018-06-14.

Allele frequency attached by ClinVar (database versions not stated): gnomAD exomes 0.50133 and 0.51527; 1000 Genomes Project 0.51318; gnomAD 0.51502 and 0.51670; TOPMed 0.51829; ExAC 0.58663; 1000 Genomes Project 30x 0.51608.
gnomAD v4.1: 376,056 of 744,052 alleles (51%); highest among the groups gnomAD compares: Middle Eastern, 56%; 95,784 homozygotes.

Submissions (2):

GeneDx
Classification: Benign. Last evaluated: 2018-06-14. Review status: criteria provided, single submitter. Criteria: GeneDx Variant Classification (06012015). Collection method: clinical testing. Allele origin: germline. Affected: yes.
Comment: This variant is considered likely benign or benign based on one or more of the following criteria: it is a conservative change, it occurs at a poorly conserved position in the protein, it is predicted to be benign by multiple in silico algorithms, and/or has population frequency not consistent with disease.

Breakthrough Genomics
Classification: Benign. Review status: criteria provided, single submitter. Criteria: ACMG Guidelines, 2015. Collection method: not provided. Allele origin: germline. Inheritance: Autosomal recessive inheritance. Affected: yes.

NM_182943.3(PLOD2):c.1128-82A>T

Gene: PLOD2 (procollagen-lysine,2-oxoglutarate 5-dioxygenase 2; minus strand). Cytogenetic location: 3q24.
Variant type: single nucleotide variant.
Coding change: c.1128-82A>T on transcript NM_182943.3 (MANE Select); 82 bases into the intron before coding-DNA position 1128, A replaced by T.
Molecular consequence: intron variant.
Genome position (GRCh38, 1-based): chr3:146,085,355, T>A on the plus strand (A>T on the coding strand, the complement: PLOD2 is on the minus strand). VCF-style: chr3-146085355-T-A. GRCh37 (hg19) VCF-style: chr3-145803142-T-A.
Other names: c.1128-82A>T (NM_000935.3).
Identifiers: ClinVar variation 674927 (VCV000674927.2), dbSNP rs1375582, ClinGen allele CA2655009.
Genomic context (GRCh38, chr3:146,085,355, plus strand): 5'-AAATGGGCATGACATAAAATAAATATCTGCTGACTGAAAAATGTTAATATATATATTCTT[T>A]TATGTAAAATATGGTTCTCTAGCATACTTTTCTGATCAAAATAGTGGAACAATATCTGAA-3'